The following is an entry in ClinVar:

ClinVar aggregate classification (germline): Uncertain significance. Review status: criteria provided, multiple submitters, no conflicts (2 of 4 stars). 4 submissions from 4 submitters: Uncertain significance (4). Last evaluated 2025-10-29.

Conditions:
Charcot-Marie-Tooth disease type 2. Also called: Charcot-Marie-Tooth type 2. Identifiers: Orphanet 64746, MedGen C0270914, MONDO:0018993.
Severe neurodegenerative syndrome with lipodystrophy. Also called: ENCEPHALOPATHY, PROGRESSIVE, WITH LIPODYSTROPHY; Encephalopathy, progressive, with or without lipodystrophy. Identifiers: Orphanet 363400, MedGen C4014700, MONDO:0014402, OMIM 615924.
Congenital generalized lipodystrophy type 2 (CGL2). Also called: SEIP SYNDROME; BERARDINELLI SYNDROME; BRUNZELL SYNDROME, BSCL2-RELATED; Berardinelli-Seip Congenital Lipodystrophy Type 2. Identifiers: Orphanet 528, Orphanet 696289, MedGen C1720863, MONDO:0010020, OMIM 269700.
Hereditary spastic paraplegia 17. Also called: Silver spastic paraplegia syndrome; Spastic Paraplegia 17; Autosomal dominant spastic paraplegia type 17; Silver Syndrome; SPASTIC PARAPLEGIA WITH AMYOTROPHY OF HANDS AND FEET. Identifiers: Orphanet 100998, MedGen C2931276, MONDO:0010043, OMIM 270685.
Neuronopathy, distal hereditary motor, type 5C. Also called: NEURONOPATHY, DISTAL HEREDITARY MOTOR, AUTOSOMAL DOMINANT 13; NEUROPATHY, DISTAL HEREDITARY MOTOR, HARDING TYPE VC; SPINAL MUSCULAR ATROPHY, DISTAL, HARDING TYPE VC; NEURONOPATHY, DISTAL HEREDITARY MOTOR, HARDING TYPE VC; DHMN VC. Identifiers: MedGen C5436838, MONDO:0030860, OMIM 619112.
Inborn genetic diseases. Identifiers: MedGen C0950123, MeSH D030342.

Allele frequency attached by ClinVar (database versions not stated): gnomAD exomes below 0.00001 and 0.00002; TOPMed 0.00001; gnomAD 0.00002 and 0.00003; 1000 Genomes Project 0.00020; 1000 Genomes Project 30x 0.00016; ExAC 0.00002.
gnomAD v4.1: 14 of 1,614,198 alleles (0.00087%); highest among the groups gnomAD compares: African/African-American, 0.0053%; no homozygotes.

Submissions (4):

Ambry Genetics
Classification: Uncertain significance for Inborn genetic diseases. Last evaluated: 2025-10-29. Review status: criteria provided, single submitter. Criteria: Ambry Variant Classification Scheme 2023. Collection method: clinical testing. Allele origin: germline.

Fulgent Genetics
Classification: Uncertain significance for Congenital generalized lipodystrophy type 2; Hereditary spastic paraplegia 17; Severe neurodegenerative syndrome with lipodystrophy; Neuronopathy, distal hereditary motor, type 5C. Last evaluated: 2024-05-15. Review status: criteria provided, single submitter. Criteria: ACMG Guidelines, 2015. Collection method: clinical testing. Allele origin: germline.

Labcorp Genetics (formerly Invitae), Labcorp
Classification: Uncertain significance for Charcot-Marie-Tooth disease type 2. Last evaluated: 2024-04-04. Review status: criteria provided, single submitter. Criteria: Invitae Variant Classification Sherloc (09022015). Collection method: clinical testing. Allele origin: germline.
Comment: This sequence change replaces arginine, which is basic and polar, with glutamine, which is neutral and polar, at codon 281 of the BSCL2 protein (p.Arg281Gln). This variant is present in population databases (rs202072835, gnomAD 0.008%). This variant has not been reported in the literature in individuals affected with BSCL2-related conditions. ClinVar contains an entry for this variant (Variation ID: 241725). Advanced modeling of protein sequence and biophysical properties (such as structural, functional, and spatial information, amino acid conservation, physicochemical variation, residue mobility, and thermodynamic stability) performed at Invitae indicates that this missense variant is not expected to disrupt BSCL2 protein function with a negative predictive value of 80%. In summary, the available evidence is currently insufficient to determine the role of this variant in disease. Therefore, it has been classified as a Variant of Uncertain Significance.

GeneDx
Classification: Uncertain significance. Last evaluated: 2023-07-26. Review status: criteria provided, single submitter. Criteria: GeneDx Variant Classification Process June 2021. Collection method: clinical testing. Allele origin: germline. Affected: yes.
Comment: In silico analysis supports that this missense variant has a deleterious effect on protein structure/function; Has not been previously published as pathogenic or benign to our knowledge

NM_001122955.4(BSCL2):c.1034G>A (p.Arg345Gln)

Genes: BSCL2 (BSCL2 lipid droplet biogenesis associated, seipin; minus strand), HNRNPUL2-BSCL2 (HNRNPUL2-BSCL2 readthrough (NMD candidate); minus strand). Cytogenetic location: 11q12.3.
Variant type: single nucleotide variant.
Coding change: c.1034G>A on transcript NM_001122955.4 (MANE Select); coding-DNA position 1034, G replaced by A.
Protein change: p.Arg345Gln; replaces arginine 345 with glutamine.
Molecular consequence: missense variant. On other transcripts: non-coding transcript variant (1).
Genome position (GRCh38, 1-based): chr11:62,691,113, C>T on the plus strand (G>A on the coding strand, the complement: BSCL2 is on the minus strand). VCF-style: chr11-62691113-C-T. GRCh37 (hg19) VCF-style: chr11-62458585-C-T.
Other names: c.700G>A, p.Gly234Arg (NM_001130702.2); c.1034G>A, p.Arg345Gln (NM_001386027.1, NM_001386028.1); c.842G>A, p.Arg281Gln (NM_032667.6); short protein forms R281Q, R345Q, G234R.
Identifiers: ClinVar variation 241725 (VCV000241725.12), dbSNP rs202072835, ClinGen allele CA6053356.